The following is an entry in ClinVar:

ClinVar aggregate classification (germline): Uncertain significance (1 of 4 stars; one submission).

Submission:

Ambry Genetics
Classification: Uncertain significance. Last evaluated: 2022-09-30. Review status: criteria provided, single submitter. Criteria: Ambry Variant Classification Scheme 2023. Collection method: clinical testing. Allele origin: germline.
Comment: The p.D19N variant (also known as c.55G>A), located in coding exon 1 of the MNDA gene, results from a G to A substitution at nucleotide position 55. The aspartic acid at codon 19 is replaced by asparagine, an amino acid with highly similar properties. This amino acid position is conserved. In addition, this alteration is predicted to be tolerated by in silico analysis. Since supporting evidence is limited at this time, the clinical significance of this alteration remains unclear.

NM_002432.3(MNDA):c.55G>A (p.Asp19Asn)

Gene: MNDA (myeloid cell nuclear differentiation antigen; plus strand). Cytogenetic location: 1q23.1.
Variant type: single nucleotide variant.
Coding change: c.55G>A on transcript NM_002432.3 (MANE Select); coding-DNA position 55, G replaced by A.
Protein change: p.Asp19Asn; replaces aspartic acid 19 with asparagine.
Molecular consequence: missense variant.
Genome position (GRCh38, 1-based): chr1:158,842,208, G>A. VCF-style: chr1-158842208-G-A. GRCh37 (hg19) VCF-style: chr1-158811998-G-A.
Other names: short protein forms D19N.
Identifiers: ClinVar variation 1748559 (VCV001748559.2), dbSNP rs2526074561, ClinGen allele CA343036427.